The following is an entry in ClinVar:

NM_007118.4(TRIO):c.2933A>G (p.Asn978Ser)

Gene: TRIO (trio Rho guanine nucleotide exchange factor; plus strand). Cytogenetic location: 5p15.2.
Variant type: single nucleotide variant.
Coding change: c.2933A>G on transcript NM_007118.4 (MANE Select); coding-DNA position 2933, A replaced by G.
Protein change: p.Asn978Ser; replaces asparagine 978 with serine.
Molecular consequence: missense variant. On other transcripts: non-coding transcript variant (1).
Genome position (GRCh38, 1-based): chr5:14,368,766, A>G. VCF-style: chr5-14368766-A-G. GRCh37 (hg19) VCF-style: chr5-14368875-A-G.
Other names: short protein forms N978S.
Identifiers: ClinVar variation 1723539 (VCV001723539.2), dbSNP rs1744816827, ClinGen allele CA359215348.

ClinVar aggregate classification (germline): Uncertain significance (1 of 4 stars; one submission).

Allele frequency attached by ClinVar (database versions not stated): gnomAD exomes below 0.00001.
gnomAD v4.1: 2 of 1,614,102 alleles (0.00012%); highest among the groups gnomAD compares: Non-Finnish European, 0.00017%; no homozygotes.

Submission:

GeneDx
Classification: Uncertain significance. Last evaluated: 2022-05-11. Review status: criteria provided, single submitter. Criteria: GeneDx Variant Classification Process June 2021. Collection method: clinical testing. Allele origin: germline. Affected: yes.
Comment: Not observed at significant frequency in large population cohorts (gnomAD); In silico analysis supports that this missense variant has a deleterious effect on protein structure/function; Has not been previously published as pathogenic or benign to our knowledge